The following is an entry in ClinVar:

ClinVar aggregate classification (germline): Conflicting classifications of pathogenicity. Review status: criteria provided, conflicting classifications (1 of 4 stars). 3 submissions from 3 submitters: Uncertain significance (2); Likely benign (1). Last evaluated 2025-07-31.

Conditions:
Hereditary cancer-predisposing syndrome. Also called: Tumor predisposition; Hereditary Cancer Syndrome; Hereditary neoplastic syndrome; Neoplastic Syndromes, Hereditary. Identifiers: Orphanet 140162, MedGen C0027672, MeSH D009386, MONDO:0015356.
POLD1-related polyposis and colorectal cancer syndrome (CRCS10). Also called: Colorectal cancer 10; COLORECTAL CANCER, SUSCEPTIBILITY TO, ON CHROMOSOME 19q; Colorectal cancer, susceptibility to, 10. Identifiers: Orphanet 220460, MedGen C2675481, MONDO:0012953, OMIM 612591.

Allele frequency attached by ClinVar (database versions not stated): gnomAD 0.00001; TOPMed 0.00002.
gnomAD v4.1: 12 of 1,562,466 alleles (0.00077%); highest among the groups gnomAD compares: Non-Finnish European, 0.00095%; no homozygotes.

Submissions (3):

Labcorp Genetics (formerly Invitae), Labcorp
Classification: Uncertain significance for POLD1-related polyposis and colorectal cancer syndrome. Last evaluated: 2025-07-31. Review status: criteria provided, single submitter. Criteria: Invitae Variant Classification Sherloc (09022015). Collection method: clinical testing. Allele origin: germline.
Comment: This sequence change replaces leucine, which is neutral and non-polar, with proline, which is neutral and non-polar, at codon 364 of the POLD1 protein (p.Leu364Pro). This variant is not present in population databases (gnomAD no frequency). This variant has not been reported in the literature in individuals affected with POLD1-related conditions. ClinVar contains an entry for this variant (Variation ID: 486059). Invitae Evidence Modeling of protein sequence and biophysical properties (such as structural, functional, and spatial information, amino acid conservation, physicochemical variation, residue mobility, and thermodynamic stability) indicates that this missense variant is not expected to disrupt POLD1 protein function with a negative predictive value of 80%. In summary, the available evidence is currently insufficient to determine the role of this variant in disease. Therefore, it has been classified as a Variant of Uncertain Significance.

Ambry Genetics
Classification: Likely benign for Hereditary cancer-predisposing syndrome. Last evaluated: 2024-04-02. Review status: criteria provided, single submitter. Criteria: Ambry Variant Classification Scheme 2023. Collection method: clinical testing. Allele origin: germline.

Baylor Genetics
Classification: Uncertain significance for POLD1-related polyposis and colorectal cancer syndrome. Last evaluated: 2024-02-26. Review status: criteria provided, single submitter. Criteria: ACMG Guidelines, 2015. Collection method: clinical testing. Allele origin: unknown.

NM_002691.4(POLD1):c.1091T>C (p.Leu364Pro)

Gene: POLD1 (DNA polymerase delta 1, catalytic subunit; plus strand). Cytogenetic location: 19q13.33.
Variant type: single nucleotide variant.
Coding change: c.1091T>C on transcript NM_002691.4 (MANE Select); coding-DNA position 1091, T replaced by C.
Protein change: p.Leu364Pro; replaces leucine 364 with proline.
Molecular consequence: missense variant. On other transcripts: non-coding transcript variant (1).
Genome position (GRCh38, 1-based): chr19:50,403,173, T>C. VCF-style: chr19-50403173-T-C. GRCh37 (hg19) VCF-style: chr19-50906430-T-C.
Other names: c.1091T>C, p.Leu364Pro (NM_001256849.1, NM_001308632.1); short protein forms L364P.
Identifiers: ClinVar variation 486059 (VCV000486059.16), dbSNP rs947583054, ClinGen allele CA309601312.